The following is an entry in ClinVar:

ClinVar aggregate classification (germline): Uncertain significance (1 of 4 stars; one submission).

Submission:

Labcorp Genetics (formerly Invitae), Labcorp
Classification: Uncertain significance. Last evaluated: 2022-02-09. Review status: criteria provided, single submitter. Criteria: Invitae Variant Classification Sherloc (09022015). Collection method: clinical testing. Allele origin: germline.
Comment: This sequence change replaces phenylalanine, which is neutral and non-polar, with serine, which is neutral and polar, at codon 71 of the POLR1A protein (p.Phe71Ser). This variant has not been reported in the literature in individuals affected with POLR1A-related conditions. This variant is not present in population databases (gnomAD no frequency). In summary, the available evidence is currently insufficient to determine the role of this variant in disease. Therefore, it has been classified as a Variant of Uncertain Significance. Algorithms developed to predict the effect of missense changes on protein structure and function are either unavailable or do not agree on the potential impact of this missense change (SIFT: "Not Available"; PolyPhen-2: "Probably Damaging"; Align-GVGD: "Not Available").

NM_015425.6(POLR1A):c.212T>C (p.Phe71Ser)

Gene: POLR1A (RNA polymerase I subunit A; minus strand). Cytogenetic location: 2p11.2.
Variant type: single nucleotide variant.
Coding change: c.212T>C on transcript NM_015425.6 (MANE Select); coding-DNA position 212, T replaced by C.
Protein change: p.Phe71Ser; replaces phenylalanine 71 with serine.
Molecular consequence: missense variant.
Genome position (GRCh38, 1-based): chr2:86,100,038, A>G on the plus strand (T>C on the coding strand, the complement: POLR1A is on the minus strand). VCF-style: chr2-86100038-A-G. GRCh37 (hg19) VCF-style: chr2-86327161-A-G.
Other names: short protein forms F71S.
Identifiers: ClinVar variation 1356330 (VCV001356330.8), dbSNP rs2104437690, ClinGen allele CA347557957.